The following is an entry in ClinVar:

Conditions:
Breast-ovarian cancer, familial, susceptibility to, 1 (BROVCA1). Also called: BRCA1 Hereditary Breast and Ovarian Cancer; OVARIAN CANCER, SUSCEPTIBILITY TO. Identifiers: Orphanet 145, MedGen C2676676, MONDO:0011450, OMIM 604370. Disease mechanism: loss of function.

Submission:

Brotman Baty Institute, University of Washington
No classification provided (evidence only). Condition: Breast-ovarian cancer, familial 1. Review status: no classification provided. Collection method: in vitro. Allele origin: not applicable. Functional consequence: functionally_normal.
ClinVar note: "not provided" was previously submitted as the classification for the variant. However, the classification appeared to be based only on an observation of functional data so it was converted to no classification on 2025-07-30.

NM_007294.4(BRCA1):c.5354A>T (p.Gln1785Leu)

Gene: BRCA1 (BRCA1 DNA repair associated; minus strand). Cytogenetic location: 17q21.31.
Variant type: single nucleotide variant.
Coding change: c.5354A>T on transcript NM_007294.4 (MANE Select); coding-DNA position 5354, A replaced by T.
Protein change: p.Gln1785Leu; replaces glutamine 1785 with leucine.
Molecular consequence: missense variant. On other transcripts: non-coding transcript variant (1), intron variant (1).
Genome position (GRCh38, 1-based): chr17:43,049,173, T>A on the plus strand (A>T on the coding strand, the complement: BRCA1 is on the minus strand). VCF-style: chr17-43049173-T-A. GRCh37 (hg19) VCF-style: chr17-41201190-T-A.
Other names: c.5348A>T, p.Gln1783Leu (NM_001407634.1, NM_001407635.1, NM_001407627.1 and 13 more transcripts); c.5339A>T, p.Gln1780Leu (NM_001407647.1); c.5297A>T, p.Gln1766Leu (NM_001407648.1); c.5294A>T, p.Gln1765Leu (NM_001407649.1); c.5276A>T, p.Gln1759Leu (NM_001407652.1, NM_001407653.1, NM_001407654.1 and 1 more transcripts); c.5273A>T, p.Gln1758Leu (NM_001407656.1, NM_001407657.1, NM_001407658.1); c.5231A>T, p.Gln1744Leu (NM_001407668.1, NM_001407669.1, NM_001407664.1 and 3 more transcripts); c.5228A>T, p.Gln1743Leu (NM_001407670.1, NM_001407671.1, NM_001407672.1 and 8 more transcripts); and 73 more; short protein forms Q1785L, Q1738L, Q1806L, Q681L, Q1657L, Q1672L, Q1715L, Q1716L.
Identifiers: ClinVar variation 868369 (VCV000868369.3), dbSNP rs876660057, ClinGen allele CA10590754.
Genomic context (GRCh38, chr17:43,049,173, plus strand): 5'-ATACTTACTGTGCCAAGGGTGAATGATGAAAGCTCCTTCACCACAGAAGCACCACACAGC[T>A]GTACCATCCATTCCAGTTGATCTAAAATGGACATTTAGATGTAAAATCACTGCAGTAATC-3'
Protein context (NP_009225.1, residues 1775-1795): MPTDQLEWMV[Gln1785Leu]LCGASVVKEL